The following is an entry in ClinVar:

ClinVar aggregate classification (germline): Uncertain significance. Review status: criteria provided, multiple submitters, no conflicts (2 of 4 stars). 2 submissions from 2 submitters: Uncertain significance (2). Last evaluated 2024-11-10.

Conditions:
Inborn genetic diseases. Identifiers: MedGen C0950123, MeSH D030342.

Allele frequency attached by ClinVar (database versions not stated): gnomAD exomes below 0.00001; TOPMed below 0.00001; ExAC 0.00001.
gnomAD v4.1: 12 of 1,598,468 alleles (0.00075%); highest among the groups gnomAD compares: Non-Finnish European, 0.001%; no homozygotes.

Submissions (2):

Ambry Genetics
Classification: Uncertain significance for Inborn genetic diseases. Last evaluated: 2024-11-10. Review status: criteria provided, single submitter. Criteria: Ambry Variant Classification Scheme 2023. Collection method: clinical testing. Allele origin: germline.

Labcorp Genetics (formerly Invitae), Labcorp
Classification: Uncertain significance. Last evaluated: 2021-10-20. Review status: criteria provided, single submitter. Criteria: Invitae Variant Classification Sherloc (09022015). Collection method: clinical testing. Allele origin: germline.
Comment: This sequence change replaces isoleucine with valine at codon 3874 of the ADGRV1 protein (p.Ile3874Val). The isoleucine residue is highly conserved and there is a small physicochemical difference between isoleucine and valine. This variant is present in population databases (rs770916018, ExAC 0.002%). This variant has not been reported in the literature in individuals affected with ADGRV1-related conditions. Algorithms developed to predict the effect of missense changes on protein structure and function output the following: SIFT: "Deleterious"; PolyPhen-2: "Benign"; Align-GVGD: "Class C0". The valine amino acid residue is found in multiple mammalian species, which suggests that this missense change does not adversely affect protein function. In summary, the available evidence is currently insufficient to determine the role of this variant in disease. Therefore, it has been classified as a Variant of Uncertain Significance.

NM_032119.4(ADGRV1):c.11620A>G (p.Ile3874Val)

Gene: ADGRV1 (adhesion G protein-coupled receptor V1; plus strand). Cytogenetic location: 5q14.3.
Variant type: single nucleotide variant.
Coding change: c.11620A>G on transcript NM_032119.4 (MANE Select); coding-DNA position 11620, A replaced by G.
Protein change: p.Ile3874Val; replaces isoleucine 3874 with valine.
Molecular consequence: missense variant. On other transcripts: non-coding transcript variant (1).
Genome position (GRCh38, 1-based): chr5:90,756,493, A>G. VCF-style: chr5-90756493-A-G. GRCh37 (hg19) VCF-style: chr5-90052310-A-G.
Other names: c.11620A>G (NM_032119.3); short protein forms I3874V.
Identifiers: ClinVar variation 1447572 (VCV001447572.7), dbSNP rs770916018, ClinGen allele CA3341011.